The following is an entry in ClinVar:

NM_001374828.1(ARID1B):c.4739G>C (p.Ser1580Thr)

Gene: ARID1B (AT-rich interaction domain 1B; plus strand). Cytogenetic location: 6q25.3.
Variant type: single nucleotide variant.
Coding change: c.4739G>C on transcript NM_001374828.1 (MANE Select); coding-DNA position 4739, G replaced by C.
Protein change: p.Ser1580Thr; replaces serine 1580 with threonine.
Molecular consequence: missense variant.
Genome position (GRCh38, 1-based): chr6:157,200,964, G>C. VCF-style: chr6-157200964-G-C. GRCh37 (hg19) VCF-style: chr6-157522098-G-C.
Other names: c.2240G>C, p.Ser747Thr (NM_001363725.2); c.4619G>C, p.Ser1540Thr (NM_001371656.1, NM_001374820.1); c.4868G>C, p.Ser1623Thr (NM_001438482.1); c.4781G>C, p.Ser1594Thr (NM_001438483.1); c.4649G>C, p.Ser1550Thr (NM_001438485.1); c.4622G>C, p.Ser1541Thr (NM_001438486.1); c.4559G>C, p.Ser1520Thr (NM_001438487.1); c.2081G>C, p.Ser694Thr (NM_001438488.1); and 2 more; short protein forms S1527T, S1541T, S1580T, S1540T, S1594T, S1623T, S694T, S747T.
Identifiers: ClinVar variation 4993262 (VCV004993262.1).

ClinVar aggregate classification (germline): Uncertain significance (1 of 4 stars; one submission).

Conditions:
ARID1B-Related Disorder. Identifiers: MedGen CN381337.

gnomAD v4.1: 3 of 1,614,120 alleles (0.00019%); highest among the groups gnomAD compares: Non-Finnish European, 0.00025%; no homozygotes.

Submission:

PreventionGenetics, part of Exact Sciences
Classification: Uncertain significance for ARID1B-related condition. Last evaluated: 2025-09-26. Review status: criteria provided, single submitter. Criteria: ACMG Guidelines, 2015. Collection method: clinical testing. Allele origin: germline.
Comment: The ARID1B c.4370G>C variant is predicted to result in the amino acid substitution p.Ser1457Thr. To our knowledge, this variant has not been reported in the literature. This variant is reported in 0.00088% of alleles in individuals of European (Non-Finnish) descent in gnomAD. At this time, the clinical significance of this variant is uncertain due to the absence of conclusive functional and genetic evidence.